The following is an entry in ClinVar:

NM_001613.4(ACTA2):c.940C>T (p.Arg314Ter)

Genes: ACTA2 (actin alpha 2, smooth muscle; minus strand), ACTA2-AS1 (ACTA2 antisense RNA 1; plus strand). Cytogenetic location: 10q23.31.
Variant type: single nucleotide variant.
Coding change: c.940C>T on transcript NM_001613.4 (MANE Select); coding-DNA position 940, C replaced by T.
Protein change: p.Arg314Ter; replaces arginine 314 with a stop codon.
Molecular consequence: nonsense.
Genome position (GRCh38, 1-based): chr10:88,938,111, G>A on the plus strand (C>T on the coding strand, the complement: ACTA2 is on the minus strand). VCF-style: chr10-88938111-G-A. GRCh37 (hg19) VCF-style: chr10-90697868-G-A.
Other names: c.940C>T, p.Arg314Ter (NM_001141945.3, NM_001320855.2, NM_001406462.1 and 2 more transcripts); c.829C>T, p.Arg277Ter (NM_001406466.1); c.811C>T, p.Arg271Ter (NM_001406467.1, NM_001406468.1, NM_001406469.1); c.748C>T, p.Arg250Ter (NM_001406471.1); short protein forms R314*, R277*, R271*, R250*.
Identifiers: ClinVar variation 263926 (VCV000263926.18), dbSNP rs886038978, ClinGen allele CA10587707.
Genomic context (GRCh38, chr10:88,938,111, plus strand): 5'-TGAACAGTACCTTGATCTTCATGGTGCTGGGTGCTAGGGCCGTGATCTCCTTCTGCATTC[G>A]GTCGGCAATGCCAGGGTACATAGTGGTGCCCCCTGATAGGACATTGTTAGCATAGAGGTC-3'

ClinVar aggregate classification (germline): Pathogenic/Likely pathogenic. Review status: criteria provided, multiple submitters, no conflicts (2 of 4 stars). 6 submissions from 6 submitters: Pathogenic (2); Likely pathogenic (4). Last evaluated 2026-02-26.

Conditions:
Aortic aneurysm, familial thoracic 6 (AAT6). Also called: FAMILIAL THORACIC AORTIC ANEURYSM WITH LIVEDO RETICULARIS AND IRIS FLOCCULI. Identifiers: MedGen C2673186, MONDO:0012730, OMIM 611788.
Familial thoracic aortic aneurysm and aortic dissection (TAAD). Also called: Thoracic aortic aneurysms and dissections. Identifiers: Orphanet 91387, MedGen C4707243, MONDO:0019625.

Submissions (6):

GeneDx
Classification: Likely pathogenic. Last evaluated: 2026-02-26. Review status: criteria provided, single submitter. Criteria: GeneDx Variant Classification Process June 2021. Collection method: clinical testing. Allele origin: germline.
Comment: Not observed at significant frequency in large population cohorts (gnomAD); Nonsense variant predicted to result in protein truncation in a gene or region of a gene for which loss of function is not a well-established mechanism of disease; This variant is associated with the following publications: (PMID: 21937134)

Women's Health and Genetics/Laboratory Corporation of America, LabCorp
Classification: Pathogenic for Familial thoracic aortic aneurysm and aortic dissection. Last evaluated: 2026-02-17. Review status: criteria provided, single submitter. Criteria: LabCorp Variant Classification Summary - May 2015. Collection method: clinical testing. Allele origin: germline.
Comment: Variant summary: ACTA2 c.940C>T (p.Arg314X) results in a premature termination codon, predicted to cause a truncation of the encoded protein or absence of the protein due to nonsense mediated decay, which are commonly known mechanisms for disease. The variant was absent in 250996 control chromosomes (gnomAD). c.940C>T has been observed in individuals affected with Familial thoracic aortic aneurysm and aortic dissection (Renard_2013). These data indicate that the variant is likely to be associated with disease. The following publication has been ascertained in the context of this evaluation (PMID: 21937134). ClinVar contains an entry for this variant (Variation ID: 263926). Based on the evidence outlined above, the variant was classified as pathogenic.

Greenwood Genetic Center Diagnostic Laboratories, Greenwood Genetic Center
Classification: Likely pathogenic for Aortic aneurysm, familial thoracic 6. Last evaluated: 2024-05-03. Review status: criteria provided, single submitter. Criteria: ACMG Guidelines, 2015. Collection method: clinical testing. Allele origin: germline.
Comment: PVS1, PM2

Victorian Clinical Genetics Services, Murdoch Childrens Research Institute
Classification: Likely pathogenic for Aortic aneurysm, familial thoracic 6. Last evaluated: 2023-07-17. Review status: criteria provided, single submitter. Criteria: ACMG Guidelines, 2015. Collection method: clinical testing. Allele origin: germline. Inheritance: Autosomal dominant inheritance. Affected: yes.
Comment: Based on the classification scheme VCGS_Germline_v1.3.4, this variant is classified as Likely pathogenic. Following criteria are met: 0104 - Dominant negative is a known mechanism of disease in this gene and is associated with familial thoracic aortic aneurysm 6 (MIM#611788), moyamoya disease 5 (MIM#614042) and multisystemic smooth muscle dysfunction syndrome (MIM#613834) (PMIDs: 27551047, 28652363). (I) 0107 - This gene is associated with autosomal dominant disease. (I) 0205 - Variant is predicted to result in a truncated protein (premature termination codon is NOT located at least 54 nucleotides upstream of the final exon-exon junction) with less than 1/3 of the protein sequence affected. (SP) 0251 - This variant is heterozygous. (I) 0301 - Variant is absent from gnomAD (both v2 and v3). (SP) 0600 - Variant is predicted to truncate the annotated actin domain (DECIPHER). (I) 0710 - Other premature termination variants comparable to the one identified in this case have inconclusive previous evidence for pathogenicity. Despite being reported as VUS, p.(Ser340Cysfs*26), p.(Val341Cysfs*26) and p.(Gln356*) have been reported in individuals with aortic aneurysm/dissection, vertebral artery dissection and aortic root dilatation, respectively (ClinVar, personal communication). p.(Ser340Cysfs*26) has also been reported in the literature in affected individuals (PMIDs: 21937134, 36053285). p.(Trp342Ter) has been reported in an individual with Marfan syndrome, who also also has a VUS in the MYH11 gene (ClinVar, personal communication). (I) 0803 - This variant has limited previous evidence of pathogenicity in unrelated individuals. It has been reported in multiple affected members of a family with thoracic aortic aneurysm / dissection (PMID: 21937134). It has also been reported as pathogenic by a clinical testing laboratory in one individual with aortic aneurysm and dissection, and one with familial hypercholesterolaemia, tetralogy of fallot and early repolarisation on EKG (ClinVar, personal communication). In addition, this variant has been reported as a VUS by another clinical testing laboratory, but without phenotypic information available (ClinVar, personal communication). (SP) 0902 - This variant has moderate evidence for segregation with disease. In the published literature, this variant has been reported in four individuals with thoracic aortic aneurysm / dissection from a multi-generational family and absent in three unaffected family members (PMID: 21937134). (SP) 1010 - Functional evidence for this variant is inconclusive. Immunohistochemistry study of the aortic tissue of an individual with this variant showed marked fragmentation of the elastic fibers and a defective fibronectin assembly in the tunica media (PMID: 21937134). The morphology of smooth muscle cells was also altered in that individual’s aortic tissue compared to the control tissue. TGFbeta signaling alteration was investigated; however, no increase in connective tissue growth factor or pSmad2 staining were seen in the individual’s aortic tissue. (I) 1207 - Parental origin of the variant is unresolved. (I) Legend: (SP) - Supporting pathogenic, (I) - Information, (SB) - Supporting benign

Labcorp Genetics (formerly Invitae), Labcorp
Classification: Likely pathogenic for Aortic aneurysm, familial thoracic 6. Last evaluated: 2023-05-08. Review status: criteria provided, single submitter. Criteria: Invitae Variant Classification Sherloc (09022015). Collection method: clinical testing. Allele origin: germline.
Comment: In summary, the currently available evidence indicates that the variant is pathogenic, but additional data are needed to prove that conclusively. Therefore, this variant has been classified as Likely Pathogenic. ClinVar contains an entry for this variant (Variation ID: 263926). This premature translational stop signal has been observed in individuals with clinical features of thoracic aortic aneurysms and dissections (PMID: 21937134). It has also been observed to segregate with disease in related individuals. This variant is not present in population databases (gnomAD no frequency). This sequence change creates a premature translational stop signal (p.Arg314*) in the ACTA2 gene. It is expected to result in an absent or disrupted protein product. However, the current clinical and genetic evidence is not sufficient to establish whether loss-of-function variants in ACTA2 cause disease.

Ambry Genetics
Classification: Pathogenic for Familial thoracic aortic aneurysm and aortic dissection. Last evaluated: 2020-06-16. Review status: criteria provided, single submitter. Criteria: Ambry Variant Classification Scheme 2023. Collection method: clinical testing. Allele origin: germline.
Comment: The p.R314* pathogenic mutation (also known as c.940C>T) located in coding exon 7 of the ACTA2 gene, results from a C to T substitution at nucleotide position 940. This changes the amino acid from an arginine to a stop codon within coding exon 7. In one study, this mutation was identified in multiple family members with aortic dilation or related features (Renard et al. Int J Cardiol. 2013;165(2):314-21). In addition to the clinical data presented in the literature, premature stop codons are typically deleterious in nature. Loss of function of ACTA2 has not been clearly established as a mechanism of disease, but this stop codon occurs at the 3' terminus of ACTA2 and is not expected to trigger nonsense-mediated mRNA decay. This alteration is predicted to remove the last 64 amino acids of the protein, and although the exact functional impact of these removed amino acids is unknown at this time, a downstream frameshift alteration (c.1019_1020delCT) has also been reported to segregate with ACTA2-related thoracic aortic aneurysm and dissection (Renard et al. Int J Cardiol. 2013;165(2):314-21). Based on the supporting evidence, this alteration is interpreted as a disease-causing mutation.

Literature cited by the submitters: PubMed 21937134 (cited by 3 submitters); PubMed 27551047 (cited by Victorian Clinical Genetics Services, Murdoch Childrens Research Institute); PubMed 28652363 (cited by Victorian Clinical Genetics Services, Murdoch Childrens Research Institute); PubMed 36053285 (cited by Victorian Clinical Genetics Services, Murdoch Childrens Research Institute); PubMed 25504618 (cited by Ambry Genetics).